The following is an entry in ClinVar:

NM_000124.4(ERCC6):c.2382+1G>A

Gene: ERCC6 (ERCC excision repair 6, chromatin remodeling factor; minus strand). Cytogenetic location: 10q11.23.
Variant type: single nucleotide variant.
Coding change: c.2382+1G>A on transcript NM_000124.4 (MANE Select); the canonical splice donor site of the intron after coding-DNA position 2382, G replaced by A.
Molecular consequence: splice donor variant.
Genome position (GRCh38, 1-based): chr10:49,476,214, C>T on the plus strand (G>A on the coding strand, the complement: ERCC6 is on the minus strand). VCF-style: chr10-49476214-C-T. GRCh37 (hg19) VCF-style: chr10-50684260-C-T.
Other names: c.2382+1G>A (NM_001346440.2).
Identifiers: ClinVar variation 3895705 (VCV003895705.2).
Genomic context (GRCh38, chr10:49,476,214, plus strand): 5'-TTTCCTCCCTCACTTCTCTTGGTCCACAATTCATTTCTCCAGCTTCTATTTTTTAGCTGA[C>T]CTGCATCTCTCCATTGAGAATCCTGTAAACTTCTTTGGAATCAACGAAATTTTGGTAGAC-3'

ClinVar aggregate classification (germline): Likely pathogenic (1 of 4 stars; one submission).

Conditions:
Cerebrooculofacioskeletal syndrome 1 (COFS1). Also called: Cerebro-oculo-facio-skeletal syndrome 1. Identifiers: MedGen C0220722, MONDO:0008955, OMIM 214150.

gnomAD v4.1: 1 of 1,605,628 alleles (0.000062%); highest among the groups gnomAD compares: Non-Finnish European, 0.000085%; no homozygotes.

Submission:

Women's Health and Genetics/Laboratory Corporation of America, LabCorp
Classification: Likely pathogenic for Cerebrooculofacioskeletal syndrome 1. Last evaluated: 2026-06-22. Review status: criteria provided, single submitter. Criteria: LabCorp Variant Classification Summary - May 2015. Collection method: clinical testing. Allele origin: germline.
Comment: Variant summary: ERCC6 c.2382+1G>A is located in a canonical splice-site and is predicted to affect mRNA splicing resulting in a significantly altered protein due to either exon skipping, shortening, or inclusion of intronic material. Variants that disrupt the consensus splice site are a relatively common cause of aberrant splicing and loss of ERCC6 function. Several computational tools predict a significant impact on normal splicing: Four predict the variant abolishes a 5' splicing donor site. However, these predictions have yet to be confirmed by functional studies. The variant allele was found at a frequency of 4e-06 in 251228 control chromosomes. To our knowledge, no occurrence of c.2382+1G>A in individuals affected with ERCC6-related conditions and no experimental evidence demonstrating its impact on protein function have been reported. ClinVar contains an entry for this variant (Variation ID: 3895705). Based on the evidence outlined above, the variant was classified as likely pathogenic.